The following is an entry in ClinVar:

NM_014975.3(MAST1):c.300C>A (p.Gly100=)

Gene: MAST1 (microtubule associated serine/threonine kinase 1; plus strand). Cytogenetic location: 19p13.13.
Variant type: single nucleotide variant.
Coding change: c.300C>A on transcript NM_014975.3 (MANE Select); coding-DNA position 300, C replaced by A.
Protein change: p.Gly100=; no amino-acid change (glycine 100 retained).
Molecular consequence: synonymous variant.
Genome position (GRCh38, 1-based): chr19:12,843,580, C>A. VCF-style: chr19-12843580-C-A. GRCh37 (hg19) VCF-style: chr19-12954394-C-A.
Identifiers: ClinVar variation 3898421 (VCV003898421.7).

ClinVar aggregate classification (germline): Likely benign (1 of 4 stars; one submission).

gnomAD v4.1: 2 of 1,613,534 alleles (0.00012%); highest among the groups gnomAD compares: Non-Finnish European, 0.00017%; no homozygotes.

Submission:

CeGaT Center for Human Genetics Tuebingen
Classification: Likely benign. Last evaluated: 2025-04-01. Review status: criteria provided, single submitter. Criteria: CeGaT Center For Human Genetics Tuebingen Variant Classification Criteria Version 2. Collection method: clinical testing. Allele origin: germline. Affected: yes. Observed: 1 variant allele.
Comment: MAST1: BP4, BP7